The following is an entry in ClinVar:

NM_001009944.3(PKD1):c.8056C>T (p.Gln2686Ter)

Gene: PKD1 (polycystin 1, transient receptor potential channel interacting; minus strand). Cytogenetic location: 16p13.3.
Variant type: single nucleotide variant.
Coding change: c.8056C>T on transcript NM_001009944.3 (MANE Select); coding-DNA position 8056, C replaced by T.
Protein change: p.Gln2686Ter; replaces glutamine 2686 with a stop codon.
Molecular consequence: nonsense.
Genome position (GRCh38, 1-based): chr16:2,104,603, G>A on the plus strand (C>T on the coding strand, the complement: PKD1 is on the minus strand). VCF-style: chr16-2104603-G-A. GRCh37 (hg19) VCF-style: chr16-2154604-G-A.
Other names: c.8056C>T (NM_000296.3); c.8056C>T, p.Gln2686Ter (NM_000296.4); short protein forms Q2686*.
Identifiers: ClinVar variation 873328 (VCV000873328.3), dbSNP rs779516086, ClinGen allele CA394365530.

ClinVar aggregate classification (germline): Pathogenic. Review status: criteria provided, multiple submitters, no conflicts (2 of 4 stars). 3 submissions from 3 submitters: Pathogenic (3). Last evaluated 2026-05-06.

Conditions:
Inborn genetic diseases. Identifiers: MedGen C0950123, MeSH D030342.
Polycystic kidney disease, adult type (PKD1). Also called: Polycystic Kidney, Autosomal Dominant; POLYCYSTIC KIDNEY DISEASE 1 WITH OR WITHOUT POLYCYSTIC LIVER DISEASE; Polycystic Kidney Disease 1, Autosomal Dominant; Polycystic kidney disease 1; Polycystic kidney disease 1, severe; POLYCYSTIC KIDNEY DISEASE, ADULT, TYPE I. Identifiers: MedGen C3149841, MONDO:0008263, OMIM 173900.

Submissions (3):

Institute of Human Genetics, University of Leipzig Medical Center
Classification: Pathogenic for Polycystic kidney disease, adult type. Last evaluated: 2026-05-06. Review status: criteria provided, single submitter. Criteria: ACMG Guidelines, 2015. Collection method: clinical testing. Allele origin: unknown. Inheritance: Autosomal dominant inheritance. Affected: yes.
Comment: Criteria applied: PVS1,PS4_MOD,PM2

Ambry Genetics
Classification: Pathogenic for Inborn genetic diseases. Last evaluated: 2024-06-13. Review status: criteria provided, single submitter. Criteria: Ambry Variant Classification Scheme 2023. Collection method: clinical testing. Allele origin: germline.
Comment: The c.8056C>T (p.Q2686*) alteration, located in exon 22 (coding exon 22) of the PKD1 gene, consists of a C to T substitution at nucleotide position 8056. This changes the amino acid from a glutamine (Q) to a stop codon at amino acid position 2686. This alteration is expected to result in loss of function by premature protein truncation or nonsense-mediated mRNA decay. This variant was not reported in population-based cohorts in the Genome Aggregation Database (gnomAD). This variant was reported in multiple individuals with features consistent with PKD1-related polycystic kidney disease (Oh, 2021; Benson, 2021; Zhang, 2019; Garcia-Gonzalez, 2007). Based on the available evidence, this alteration is classified as pathogenic.

Cavalleri Lab, Royal College of Surgeons in Ireland
Classification: Pathogenic for Polycystic kidney disease, adult type. Last evaluated: 2020-02-05. Review status: criteria provided, single submitter. Criteria: ACMG Guidelines, 2015. Collection method: research. Allele origin: unknown. Inheritance: Autosomal dominant inheritance. Affected: yes.
Comment: PVS1, PM2, PP4,PP5

Literature cited by the submitters: PubMed 17574468 (cited by Ambry Genetics); PubMed 29633482 (cited by Ambry Genetics); PubMed 33095447 (cited by Ambry Genetics); PubMed 33454723 (cited by Ambry Genetics).